The following is an entry in ClinVar:

NM_033004.4(NLRP1):c.1113G>A (p.Glu371=)

Gene: NLRP1 (NLR family pyrin domain containing 1; minus strand). Cytogenetic location: 17p13.2.
Variant type: single nucleotide variant.
Coding change: c.1113G>A on transcript NM_033004.4 (MANE Select); coding-DNA position 1113, G replaced by A.
Protein change: p.Glu371=; no amino-acid change (glutamic acid 371 retained).
Molecular consequence: synonymous variant.
Genome position (GRCh38, 1-based): chr17:5,559,583, C>T on the plus strand (G>A on the coding strand, the complement: NLRP1 is on the minus strand). VCF-style: chr17-5559583-C-T. GRCh37 (hg19) VCF-style: chr17-5462903-C-T.
Other names: p.Glu371=; c.1113G>A, p.Glu371= (NM_001033053.3, NM_014922.5, NM_033006.4 and 1 more transcripts).
Identifiers: ClinVar variation 727621 (VCV000727621.11), dbSNP rs182752748, ClinGen allele CA8327429.
Genomic context (GRCh38, chr17:5,559,583, plus strand): 5'-AGTGGCTGTCCCATCTTTTCCGATGAGCTCAGCGAGACTCACCACCTTGGACTGGGCCAG[C>T]TCTCTGCAGCTGAAGTAGAAGACATGCTGGAAGCGGTCCCCATACAGCTGGCCTCTCCCC-3'
Protein context (NP_127497.1, residues 361-381): FQHVFYFSCR[Glu371=]LAQSKVVSLA

ClinVar aggregate classification (germline): Benign/Likely benign. Review status: criteria provided, multiple submitters, no conflicts (2 of 4 stars). 3 submissions from 3 submitters: Benign (1); Likely benign (2). Last evaluated 2026-01-05.

Allele frequency attached by ClinVar (database versions not stated): gnomAD exomes 0.00015 and 0.00073; gnomAD 0.00024 and 0.00038; TOPMed 0.00035; ExAC 0.00070; 1000 Genomes Project 30x 0.00281; 1000 Genomes Project 0.00319.
gnomAD v4.1: 282 of 1,614,234 alleles (0.017%); highest among the groups gnomAD compares: East Asian, 0.58%; 1 homozygote.

Submissions (3):

Labcorp Genetics (formerly Invitae), Labcorp
Classification: Benign. Last evaluated: 2026-01-05. Review status: criteria provided, single submitter. Criteria: Invitae Variant Classification Sherloc (09022015). Collection method: clinical testing. Allele origin: germline.

Mayo Clinic Laboratories, Mayo Clinic
Classification: Likely benign. Last evaluated: 2025-03-20. Review status: criteria provided, single submitter. Criteria: ACMG Guidelines, 2015. Collection method: clinical testing. Allele origin: germline. Observed: 1 variant allele.
Comment: BS1, BP4, BP7

Blueprint Genetics
Classification: Likely benign. Last evaluated: 2024-08-11. Review status: criteria provided, single submitter. Criteria: ACMG Guidelines, 2015. Collection method: clinical testing. Allele origin: germline.